The following is an entry in ClinVar:

ClinVar aggregate classification (germline): Benign/Likely benign. Review status: criteria provided, multiple submitters, no conflicts (2 of 4 stars). 3 submissions from 3 submitters: Benign (1); Likely benign (2). Last evaluated 2025-03-24.

Conditions:
Juvenile polyposis syndrome (JPS). Identifiers: Orphanet 2929, MedGen C0345893, MONDO:0017380, OMIM 174900.
Juvenile polyposis/hereditary hemorrhagic telangiectasia syndrome (JPHT). Also called: JP/HHT SYNDROME; JUVENILE POLYPOSIS WITH HEREDITARY HEMORRHAGIC TELANGIECTASIA; POLYPOSIS, GENERALIZED JUVENILE, WITH PULMONARY ARTERIOVENOUS MALFORMATION; TELANGIECTASIA, HEREDITARY HEMORRHAGIC, WITH JUVENILE POLYPOSIS COLI; Juvenile Polyposis Syndrome / Hereditary Hemorrhagic Telangiectasia (JPS/HHT). Identifiers: Orphanet 2929, MedGen C1832942, MONDO:0008278, OMIM 175050.
Hereditary cancer-predisposing syndrome. Also called: Hereditary Cancer Syndrome; Neoplastic Syndromes, Hereditary; Hereditary neoplastic syndrome; Tumor predisposition. Identifiers: Orphanet 140162, MedGen C0027672, MeSH D009386, MONDO:0015356.
Familial thoracic aortic aneurysm and aortic dissection (TAAD). Also called: Thoracic aortic aneurysms and dissections. Identifiers: Orphanet 91387, MedGen C4707243, MONDO:0019625.

gnomAD v4.1: 1 of 1,613,994 alleles (0.000062%); highest among the groups gnomAD compares: Non-Finnish European, 0.000085%; no homozygotes.

Submissions (3):

Myriad Genetics, Inc.
Classification: Benign for Juvenile polyposis/hereditary hemorrhagic telangiectasia syndrome. Last evaluated: 2025-03-24. Review status: criteria provided, single submitter. Criteria: Myriad Autosomal Dominant, Autosomal Recessive and X-Linked Classification Criteria (2023). Collection method: clinical testing. Allele origin: unknown.
Comment: This variant is considered benign. This variant is a silent/synonymous amino acid change and it is not expected to impact splicing.

Labcorp Genetics (formerly Invitae), Labcorp
Classification: Likely benign for Juvenile polyposis syndrome. Last evaluated: 2024-04-15. Review status: criteria provided, single submitter. Criteria: Invitae Variant Classification Sherloc (09022015). Collection method: clinical testing. Allele origin: germline.

Ambry Genetics
Classification: Likely benign for Hereditary cancer-predisposing syndrome; Familial thoracic aortic aneurysm and aortic dissection. Last evaluated: 2023-10-26. Review status: criteria provided, single submitter. Criteria: Ambry Variant Classification Scheme 2023. Collection method: clinical testing. Allele origin: germline.

NM_005359.6(SMAD4):c.1452G>A (p.Leu484=)

Gene: SMAD4 (SMAD family member 4; plus strand). Cytogenetic location: 18q21.2.
Variant type: single nucleotide variant.
Coding change: c.1452G>A on transcript NM_005359.6 (MANE Select); coding-DNA position 1452, G replaced by A.
Protein change: p.Leu484=; no amino-acid change (leucine 484 retained).
Molecular consequence: synonymous variant.
Genome position (GRCh38, 1-based): chr18:51,078,260, G>A. VCF-style: chr18-51078260-G-A. GRCh37 (hg19) VCF-style: chr18-48604630-G-A.
Other names: c.1452G>A (NM_005359.5).
Identifiers: ClinVar variation 1140140 (VCV001140140.11), dbSNP rs1555687538, ClinGen allele CA503873951.